The following is an entry in ClinVar:

ClinVar aggregate classification (germline): Likely pathogenic (1 of 4 stars; one submission).

Conditions:
FLNA-related disorder.

Submission:

3billion
Classification: Likely pathogenic for FLNA-related disorder. Last evaluated: 2025-07-21. Review status: criteria provided, single submitter. Criteria: ACMG Guidelines, 2015. Collection method: clinical testing. Allele origin: germline. Affected: yes.
Comment: The variant is not observed in the gnomAD v4.1.0 dataset. Predicted Consequence/Location: Frameshift: predicted to result in a loss or disruption of normal protein function through nonsense-mediated decay (NMD) or protein truncation. Multiple pathogenic variants are reported downstream of the variant. Therefore, this variant is classified as Likely pathogenic according to the recommendation of ACMG/AMP guideline.

NM_001110556.2(FLNA):c.1688_1689dup (p.Ser564fs)

Gene: FLNA (filamin A; minus strand). Cytogenetic location: Xq28.
Variant type: Microsatellite.
Coding change: c.1688_1689dup on transcript NM_001110556.2 (MANE Select); coding-DNA positions 1688 to 1689, 2 bases duplicated (GC; older notation c.1688_1689dupGC).
Protein change: p.Ser564fs; shifts the reading frame from serine 564.
Molecular consequence: frameshift variant.
Genome position (GRCh38, 1-based): chrX:154,365,138-154,365,139, GC duplicated on the plus strand (GC on the coding strand, the reverse complement: FLNA is on the minus strand); duplicating any 2 consecutive bases within chrX:154,365,138-154,365,141 gives the same sequence; the c. name uses the placement nearest the transcript's 3' end. VCF-style (leftmost placement, unchanged base first): chrX-154365137-T-TGC. GRCh37 (hg19) VCF-style: chrX-153593505-T-TGC.
Other names: c.1688_1689dup, p.Ser564fs (NM_001456.4); short protein forms S564fs.
Identifiers: ClinVar variation 4855435 (VCV004855435.1).